The following is an entry in ClinVar:

ClinVar aggregate classification (germline): Conflicting classifications of pathogenicity. Review status: criteria provided, conflicting classifications (1 of 4 stars). 2 submissions from 2 submitters: Likely pathogenic (1); Uncertain significance (1). Last evaluated 2024-05-23.

Conditions:
Autosomal dominant Alport syndrome (ATS3A). Also called: Alport syndrome dominant type; Renal failure and sensorineural hearing loss; ALPORT SYNDROME 3A, AUTOSOMAL DOMINANT. Identifiers: Orphanet 63, Orphanet 88918, MedGen C5882663, MONDO:0007086, OMIM 104200.
Hematuria, benign familial, 2 (BFH2). Identifiers: MedGen C5830421, MONDO:0958186, OMIM 620320.
Alport syndrome 3b, autosomal recessive. Identifiers: MedGen C5882699, MONDO:0957811, OMIM 620536.

gnomAD v4.1: 20 of 1,613,906 alleles (0.0012%); highest among the groups gnomAD compares: South Asian, 0.021%; 1 homozygote.

Submissions (2):

Fulgent Genetics
Classification: Likely pathogenic for Autosomal dominant Alport syndrome; Hematuria, benign familial, 2; Alport syndrome 3b, autosomal recessive. Last evaluated: 2024-05-23. Review status: criteria provided, single submitter. Criteria: ACMG Guidelines, 2015. Collection method: clinical testing. Allele origin: germline.

Women's Health and Genetics/Laboratory Corporation of America, LabCorp
Classification: Uncertain significance. Last evaluated: 2024-05-23. Review status: criteria provided, single submitter. Criteria: LabCorp Variant Classification Summary - May 2015. Collection method: clinical testing. Allele origin: germline.
Comment: Variant summary: COL4A3 c.4190G>A (p.Gly1397Glu) results in a non-conservative amino acid change located in the Triple helical region (Uniprot) of the encoded protein sequence. Five of five in-silico tools predict a damaging effect of the variant on protein function. This missense variant disrupts a glycine residue at a position in the collagenous domain of the collagen IV alpha 3 chain for which the impact is not established. The variant allele was found at a frequency of 1.6e-05 in 249248 control chromosomes (gnomAD). The available data on variant occurrences in the general population are insufficient to allow any conclusion about variant significance. To our knowledge, no occurrence of c.4190G>A in individuals affected with Alport Syndrome, Autosomal Recessive and no experimental evidence demonstrating its impact on protein function have been reported. No submitters have cited clinical-significance assessments for this variant to ClinVar. Based on the evidence outlined above, the variant was classified as uncertain significance.

NM_000091.5(COL4A3):c.4190G>A (p.Gly1397Glu)

Genes: COL4A3 (collagen type IV alpha 3 chain; plus strand), MFF-DT (MFF divergent transcript; minus strand). Cytogenetic location: 2q36.3.
Variant type: single nucleotide variant.
Coding change: c.4190G>A on transcript NM_000091.5 (MANE Select); coding-DNA position 4190, G replaced by A.
Protein change: p.Gly1397Glu; replaces glycine 1397 with glutamic acid.
Molecular consequence: missense variant.
Genome position (GRCh38, 1-based): chr2:227,305,021, G>A. VCF-style: chr2-227305021-G-A. GRCh37 (hg19) VCF-style: chr2-228169737-G-A.
Other names: short protein forms G1397E.
Identifiers: ClinVar variation 3336421 (VCV003336421.2).